The following is an entry in ClinVar:

ClinVar aggregate classification (germline): Uncertain significance. Review status: criteria provided, multiple submitters, no conflicts (2 of 4 stars). 2 submissions from 2 submitters: Uncertain significance (2). Last evaluated 2025-12-13.

Conditions:
Hereditary cancer-predisposing syndrome. Also called: Hereditary Cancer Syndrome; Neoplastic Syndromes, Hereditary; Tumor predisposition; Hereditary neoplastic syndrome. Identifiers: Orphanet 140162, MedGen C0027672, MeSH D009386, MONDO:0015356.
Ataxia-telangiectasia syndrome (AT). Also called: Ataxia telangiectasia (A-T); Ataxia-telangiectasia, complementation group E; LOUIS-BAR SYNDROME; Cerebello-oculocutaneous telangiectasia; Immunodeficiency with ataxia telangiectasia; Ataxia-telangiectasia, complementation group D. Identifiers: Orphanet 100, MedGen C0004135, MONDO:0008840, OMIM 208900.

Allele frequency attached by ClinVar (database versions not stated): TOPMed below 0.00001; gnomAD 0.00001.
gnomAD v4.1: 2 of 1,614,104 alleles (0.00012%); highest among the groups gnomAD compares: African/African-American, 0.0027%; no homozygotes.

Submissions (2):

Labcorp Genetics (formerly Invitae), Labcorp
Classification: Uncertain significance for Ataxia-telangiectasia syndrome. Last evaluated: 2025-12-13. Review status: criteria provided, single submitter. Criteria: Invitae Variant Classification Sherloc (09022015). Collection method: clinical testing. Allele origin: germline.
Comment: This sequence change replaces isoleucine, which is neutral and non-polar, with threonine, which is neutral and polar, at codon 1520 of the ATM protein (p.Ile1520Thr). This variant is not present in population databases (gnomAD no frequency). This missense change has been observed in individual(s) with breast cancer (PMID: 35534704). ClinVar contains an entry for this variant (Variation ID: 230596). Invitae Evidence Modeling of protein sequence and biophysical properties (such as structural, functional, and spatial information, amino acid conservation, physicochemical variation, residue mobility, and thermodynamic stability) has been performed for this missense variant. However, the output from this modeling did not meet the statistical confidence thresholds required to predict the impact of this variant on ATM protein function. In summary, the available evidence is currently insufficient to determine the role of this variant in disease. Therefore, it has been classified as a Variant of Uncertain Significance.

Ambry Genetics
Classification: Uncertain significance for Hereditary cancer-predisposing syndrome. Last evaluated: 2024-06-13. Review status: criteria provided, single submitter. Criteria: Ambry Variant Classification Scheme 2023. Collection method: clinical testing. Allele origin: germline.
Comment: The p.I1520T variant (also known as c.4559T>C), located in coding exon 29 of the ATM gene, results from a T to C substitution at nucleotide position 4559. The isoleucine at codon 1520 is replaced by threonine, an amino acid with similar properties. This amino acid position is well conserved in available vertebrate species. In addition, this alteration is predicted to be deleterious by in silico analysis. Based on the available evidence, the clinical significance of this variant remains unclear.

Literature cited by the submitters: PubMed 35534704 (cited by Labcorp Genetics (formerly Invitae), Labcorp).

NM_000051.4(ATM):c.4559T>C (p.Ile1520Thr)

Gene: ATM (ATM serine/threonine kinase; plus strand). Cytogenetic location: 11q22.3.
Variant type: single nucleotide variant.
Coding change: c.4559T>C on transcript NM_000051.4 (MANE Select); coding-DNA position 4559, T replaced by C.
Protein change: p.Ile1520Thr; replaces isoleucine 1520 with threonine.
Molecular consequence: missense variant.
Genome position (GRCh38, 1-based): chr11:108,292,741, T>C. VCF-style: chr11-108292741-T-C. GRCh37 (hg19) VCF-style: chr11-108163468-T-C.
Other names: c.4559T>C, p.Ile1520Thr (NM_001351834.2); short protein forms I1520T.
Identifiers: ClinVar variation 230596 (VCV000230596.13), dbSNP rs375654664, ClinGen allele CA10579153.